The following is an entry in ClinVar:

ClinVar aggregate classification (germline): Uncertain significance (1 of 4 stars; one submission).

Submission:

GeneDx
Classification: Uncertain significance. Last evaluated: 2024-06-10. Review status: criteria provided, single submitter. Criteria: GeneDx Variant Classification Process June 2021. Collection method: clinical testing. Allele origin: germline.
Comment: Not observed at significant frequency in large population cohorts (gnomAD); In silico analysis supports that this missense variant has a deleterious effect on protein structure/function; Has not been previously published as pathogenic or benign to our knowledge; Variants in candidate genes are classified as variants of uncertain significance in accordance with ACMG guidelines (PMID: 25741868)

NM_006016.6(CD164):c.563A>C (p.Lys188Thr)

Gene: CD164 (CD164 molecule; minus strand). Cytogenetic location: 6q21.
Variant type: single nucleotide variant.
Coding change: c.563A>C on transcript NM_006016.6 (MANE Select); coding-DNA position 563, A replaced by C.
Protein change: p.Lys188Thr; replaces lysine 188 with threonine.
Molecular consequence: missense variant. On other transcripts: intron variant (2).
Genome position (GRCh38, 1-based): chr6:109,368,882, T>G on the plus strand (A>C on the coding strand, the complement: CD164 is on the minus strand). VCF-style: chr6-109368882-T-G. GRCh37 (hg19) VCF-style: chr6-109690085-T-G.
Other names: c.524A>C, p.Lys175Thr (NM_001142401.3); c.506A>C, p.Lys169Thr (NM_001142402.3); c.461A>C, p.Lys154Thr (NM_001346500.2); c.428-557A>C (NM_001142404.3); c.523+40A>C (NM_001142403.3); short protein forms K154T, K169T, K175T, K188T.
Identifiers: ClinVar variation 4891487 (VCV004891487.1).